The following is an entry in ClinVar:

NM_001350175.2(ATXN7L2):c.2042G>T (p.Gly681Val)

Gene: ATXN7L2 (ataxin 7 like 2; plus strand). Cytogenetic location: 1p13.3.
Variant type: single nucleotide variant.
Coding change: c.2042G>T on transcript NM_001350175.2 (MANE Select); coding-DNA position 2042, G replaced by T.
Protein change: p.Gly681Val; replaces glycine 681 with valine.
Molecular consequence: missense variant.
Genome position (GRCh38, 1-based): chr1:109,491,509, G>T. VCF-style: chr1-109491509-G-T. GRCh37 (hg19) VCF-style: chr1-110034131-G-T.
Other names: c.2042G>T, p.Gly681Val (NM_001350174.1); c.1868G>T, p.Gly623Val (NM_001350177.2); c.1946G>T, p.Gly649Val (NM_153340.5); short protein forms G623V, G649V, G681V.
Identifiers: ClinVar variation 3338559 (VCV003338559.1).

ClinVar aggregate classification (germline): Uncertain significance (1 of 4 stars; one submission).

Submission:

Greenwood Genetic Center Diagnostic Laboratories, Greenwood Genetic Center
Classification: Uncertain significance. Last evaluated: 2024-06-17. Review status: criteria provided, single submitter. Criteria: ACMG Guidelines, 2015. Collection method: clinical testing. Allele origin: germline. Affected: yes.
Comment: Gene of Uncertain Significance